The following is an entry in ClinVar:

ClinVar aggregate classification (germline): Pathogenic (1 of 4 stars; one submission).

Conditions:
MHC class II deficiency. Also called: Bare lymphocyte syndrome 2; BLS, TYPE II. Identifiers: Orphanet 572, MedGen C5447452, MONDO:0008855.

Submission:

Labcorp Genetics (formerly Invitae), Labcorp
Classification: Pathogenic for MHC class II deficiency. Last evaluated: 2023-07-14. Review status: criteria provided, single submitter. Criteria: Invitae Variant Classification Sherloc (09022015). Collection method: clinical testing. Allele origin: germline.
Comment: This variant disrupts a region of the RFX5 protein in which other variant(s) (p.Ser571Glnfs*22) have been determined to be pathogenic (Invitae). This suggests that this is a clinically significant region of the protein, and that variants that disrupt it are likely to be disease-causing. ClinVar contains an entry for this variant (Variation ID: 1496062). This variant has not been reported in the literature in individuals affected with RFX5-related conditions. This variant is not present in population databases (gnomAD no frequency). This sequence change creates a premature translational stop signal (p.Ser339*) in the RFX5 gene. While this is not anticipated to result in nonsense mediated decay, it is expected to disrupt the last 278 amino acid(s) of the RFX5 protein. For these reasons, this variant has been classified as Pathogenic.

NM_001025603.2(RFX5):c.1016C>G (p.Ser339Ter)

Gene: RFX5 (regulatory factor X5; minus strand). Cytogenetic location: 1q21.3.
Variant type: single nucleotide variant.
Coding change: c.1016C>G on transcript NM_001025603.2 (MANE Select); coding-DNA position 1016, C replaced by G.
Protein change: p.Ser339Ter; replaces serine 339 with a stop codon.
Molecular consequence: nonsense.
Genome position (GRCh38, 1-based): chr1:151,343,021, G>C on the plus strand (C>G on the coding strand, the complement: RFX5 is on the minus strand). VCF-style: chr1-151343021-G-C. GRCh37 (hg19) VCF-style: chr1-151315497-G-C.
Other names: c.1016C>G, p.Ser339Ter (NM_001379412.1, NM_001379413.1, NM_001379414.1 and 5 more transcripts); c.896C>G, p.Ser299Ter (NM_001379419.1, NM_001379420.1); short protein forms S339*, S299*.
Identifiers: ClinVar variation 1496062 (VCV001496062.6), dbSNP rs992795118, ClinGen allele CA341930351.